The following is an entry in ClinVar:

NM_015559.3(SETBP1):c.3065C>T (p.Pro1022Leu)

Gene: SETBP1 (SET binding protein 1; plus strand). Cytogenetic location: 18q12.3.
Variant type: single nucleotide variant.
Coding change: c.3065C>T on transcript NM_015559.3 (MANE Select); coding-DNA position 3065, C replaced by T.
Protein change: p.Pro1022Leu; replaces proline 1022 with leucine.
Molecular consequence: missense variant.
Genome position (GRCh38, 1-based): chr18:44,952,405, C>T. VCF-style: chr18-44952405-C-T. GRCh37 (hg19) VCF-style: chr18-42532370-C-T.
Other names: c.3065C>T, p.Pro1022Leu (NM_001379141.1, NM_001379142.1); short protein forms P1022L.
Identifiers: ClinVar variation 1445994 (VCV001445994.8), dbSNP rs1362664483, ClinGen allele CA402323122.

ClinVar aggregate classification (germline): Uncertain significance (1 of 4 stars; one submission).

Allele frequency attached by ClinVar (database versions not stated): gnomAD exomes below 0.00001.
gnomAD v4.1: 1 of 1,614,150 alleles (0.000062%); highest among the groups gnomAD compares: South Asian, 0.0011%; no homozygotes.

Submission:

Labcorp Genetics (formerly Invitae), Labcorp
Classification: Uncertain significance. Last evaluated: 2022-09-13. Review status: criteria provided, single submitter. Criteria: Invitae Variant Classification Sherloc (09022015). Collection method: clinical testing. Allele origin: germline.
Comment: This sequence change replaces proline, which is neutral and non-polar, with leucine, which is neutral and non-polar, at codon 1022 of the SETBP1 protein (p.Pro1022Leu). This variant is present in population databases (no rsID available, gnomAD 0.003%). This variant has not been reported in the literature in individuals affected with SETBP1-related conditions. ClinVar contains an entry for this variant (Variation ID: 1445994). Advanced modeling of protein sequence and biophysical properties (such as structural, functional, and spatial information, amino acid conservation, physicochemical variation, residue mobility, and thermodynamic stability) performed at Invitae indicates that this missense variant is expected to disrupt SETBP1 protein function. In summary, the available evidence is currently insufficient to determine the role of this variant in disease. Therefore, it has been classified as a Variant of Uncertain Significance.